The following is an entry in ClinVar:

ClinVar aggregate classification (germline): Uncertain significance (1 of 4 stars; one submission).

Submission:

CeGaT Center for Human Genetics Tuebingen
Classification: Uncertain significance. Last evaluated: 2026-09-01. Review status: criteria provided, single submitter. Criteria: CeGaT Center For Human Genetics Tuebingen Variant Classification Criteria Version 2. Collection method: clinical testing. Allele origin: germline. Affected: yes. Observed: 1 variant allele.
Comment: SLC6A5: PM2

NM_004211.5(SLC6A5):c.432C>G (p.Asn144Lys)

Gene: SLC6A5 (solute carrier family 6 member 5; plus strand). Cytogenetic location: 11p15.1.
Variant type: single nucleotide variant.
Coding change: c.432C>G on transcript NM_004211.5 (MANE Select); coding-DNA position 432, C replaced by G.
Protein change: p.Asn144Lys; replaces asparagine 144 with lysine.
Molecular consequence: missense variant. On other transcripts: 5 prime UTR variant (1).
Genome position (GRCh38, 1-based): chr11:20,601,557, C>G. VCF-style: chr11-20601557-C-G. GRCh37 (hg19) VCF-style: chr11-20623103-C-G.
Other names: c.-132C>G (NM_001318369.2); short protein forms N144K.
Identifiers: ClinVar variation 5041734 (VCV005041734.1).